The following is an entry in ClinVar:

ClinVar aggregate classification (germline): Likely pathogenic (1 of 4 stars; one submission).

Conditions:
Combined oxidative phosphorylation defect type 17. Also called: Combined oxidative phosphorylation deficiency 17. Identifiers: Orphanet 369913, MedGen C3809526, MONDO:0014190, OMIM 615440.

gnomAD v4.1: 2 of 1,613,944 alleles (0.00012%); highest among the groups gnomAD compares: East Asian, 0.0022%; no homozygotes.

Submission:

Labcorp Genetics (formerly Invitae), Labcorp
Classification: Likely pathogenic for Combined oxidative phosphorylation defect type 17. Last evaluated: 2022-12-17. Review status: criteria provided, single submitter. Criteria: Invitae Variant Classification Sherloc (09022015). Collection method: clinical testing. Allele origin: germline.
Comment: In summary, the currently available evidence indicates that the variant is pathogenic, but additional data are needed to prove that conclusively. Therefore, this variant has been classified as Likely Pathogenic. Algorithms developed to predict the effect of sequence changes on RNA splicing suggest that this variant may disrupt the consensus splice site. This variant has not been reported in the literature in individuals affected with ELAC2-related conditions. This variant is present in population databases (no rsID available, gnomAD 0.006%). This sequence change affects a donor splice site in intron 21 of the ELAC2 gene. It is expected to disrupt RNA splicing. Variants that disrupt the donor or acceptor splice site typically lead to a loss of protein function (PMID: 16199547), and loss-of-function variants in ELAC2 are known to be pathogenic (PMID: 27769300, 31045291).

Literature cited by the submitters: PubMed 16199547; PubMed 27769300; PubMed 31045291.

NM_018127.7(ELAC2):c.2029+1G>A

Gene: ELAC2 (elaC ribonuclease Z 2; minus strand). Cytogenetic location: 17p12.
Variant type: single nucleotide variant.
Coding change: c.2029+1G>A on transcript NM_018127.7 (MANE Select); the canonical splice donor site of the intron after coding-DNA position 2029, G replaced by A.
Molecular consequence: splice donor variant.
Genome position (GRCh38, 1-based): chr17:12,994,763, C>T on the plus strand (G>A on the coding strand, the complement: ELAC2 is on the minus strand). VCF-style: chr17-12994763-C-T. GRCh37 (hg19) VCF-style: chr17-12898080-C-T.
Other names: c.1909+1G>A (NM_001165962.2); c.2026+1G>A (NM_173717.2).
Identifiers: ClinVar variation 2980774 (VCV002980774.3), dbSNP rs761967944, ClinGen allele CA398222990.